The following is an entry in ClinVar:

ClinVar aggregate classification (germline): Uncertain significance (1 of 4 stars; one submission).

Conditions:
ARHGAP29-related disorder. Also called: ARHGAP29-Related Disorders; ARHGAP29-related condition.

gnomAD v4.1: 20 of 1,611,852 alleles (0.0012%); highest among the groups gnomAD compares: Non-Finnish European, 0.0016%; no homozygotes.

Submission:

PreventionGenetics, part of Exact Sciences
Classification: Uncertain significance for ARHGAP29-related condition. Last evaluated: 2025-11-26. Review status: criteria provided, single submitter. Criteria: ACMG Guidelines, 2015. Collection method: clinical testing. Allele origin: germline.
Comment: The ARHGAP29 c.2184G>T variant is predicted to result in the amino acid substitution p.Leu728Phe. This variant has been reported as de novo in an individual with developmental disorder (Supplemental Table 1, Kaplanis et al. 2020. PubMed ID: 33057194; Supplementary Data 3, Zhou et al. 2022. PubMed ID: 35982159). This variant is reported in 0.0035% of alleles in individuals of European (Non-Finnish) descent in gnomAD. At this time, the clinical significance of this variant is uncertain due to the absence of conclusive functional and genetic evidence.

NM_004815.4(ARHGAP29):c.2184G>T (p.Leu728Phe)

Gene: ARHGAP29 (Rho GTPase activating protein 29; minus strand). Cytogenetic location: 1p22.1.
Variant type: single nucleotide variant.
Coding change: c.2184G>T on transcript NM_004815.4 (MANE Select); coding-DNA position 2184, G replaced by T.
Protein change: p.Leu728Phe; replaces leucine 728 with phenylalanine.
Molecular consequence: missense variant.
Genome position (GRCh38, 1-based): chr1:94,184,214, C>A on the plus strand (G>T on the coding strand, the complement: ARHGAP29 is on the minus strand). VCF-style: chr1-94184214-C-A. GRCh37 (hg19) VCF-style: chr1-94649770-C-A.
Other names: c.2184G>T, p.Leu728Phe (NM_001328664.2); c.1992G>T, p.Leu664Phe (NM_001328665.2, NM_001328667.2); c.2157G>T, p.Leu719Phe (NM_001328666.2); short protein forms L719F, L728F, L664F.
Identifiers: ClinVar variation 4980057 (VCV004980057.1).